The following is an entry in ClinVar:

ClinVar aggregate classification (germline): Uncertain significance (1 of 4 stars; one submission).

Conditions:
Charcot-Marie-Tooth disease type 2. Also called: Charcot-Marie-Tooth type 2. Identifiers: Orphanet 64746, MedGen C0270914, MONDO:0018993.

Submission:

Labcorp Genetics (formerly Invitae), Labcorp
Classification: Uncertain significance for Charcot-Marie-Tooth disease type 2. Last evaluated: 2023-07-10. Review status: criteria provided, single submitter. Criteria: Invitae Variant Classification Sherloc (09022015). Collection method: clinical testing. Allele origin: germline.
Comment: This sequence change replaces glutamic acid, which is acidic and polar, with glycine, which is neutral and non-polar, at codon 531 of the GARS protein (p.Glu531Gly). This variant is not present in population databases (gnomAD no frequency). This variant has not been reported in the literature in individuals affected with GARS-related conditions. Advanced modeling of protein sequence and biophysical properties (such as structural, functional, and spatial information, amino acid conservation, physicochemical variation, residue mobility, and thermodynamic stability) performed at Invitae indicates that this missense variant is not expected to disrupt GARS protein function. In summary, the available evidence is currently insufficient to determine the role of this variant in disease. Therefore, it has been classified as a Variant of Uncertain Significance.

NM_002047.4(GARS1):c.1592A>G (p.Glu531Gly)

Gene: GARS1 (glycyl-tRNA synthetase 1; plus strand). Cytogenetic location: 7p14.3.
Variant type: single nucleotide variant.
Coding change: c.1592A>G on transcript NM_002047.4 (MANE Select); coding-DNA position 1592, A replaced by G.
Protein change: p.Glu531Gly; replaces glutamic acid 531 with glycine.
Molecular consequence: missense variant.
Genome position (GRCh38, 1-based): chr7:30,622,441, A>G. VCF-style: chr7-30622441-A-G. GRCh37 (hg19) VCF-style: chr7-30662057-A-G.
Other names: c.1430A>G, p.Glu477Gly (NM_001316772.1); short protein forms E531G, E477G.
Identifiers: ClinVar variation 2740403 (VCV002740403.3), dbSNP rs1783032476, ClinGen allele CA367129096.